The following is an entry in ClinVar:

ClinVar aggregate classification (germline): Benign/Likely benign. Review status: criteria provided, multiple submitters, no conflicts (2 of 4 stars). 2 submissions from 2 submitters: Benign (1); Likely benign (1). Last evaluated 2026-03-01.

Allele frequency attached by ClinVar (database versions not stated): gnomAD 0.00013 and 0.00023; TOPMed 0.00025; 1000 Genomes Project 30x 0.00047; ExAC 0.00054; 1000 Genomes Project 0.00060; gnomAD exomes 0.00060.
gnomAD v4.1: 617 of 1,612,854 alleles (0.038%); highest among the groups gnomAD compares: East Asian, 1.2%; 3 homozygotes.

Submissions (4):

CeGaT Center for Human Genetics Tuebingen
Classification: Likely benign. Last evaluated: 2026-03-01. Review status: criteria provided, single submitter. Criteria: CeGaT Center For Human Genetics Tuebingen Variant Classification Criteria Version 2. Collection method: clinical testing. Allele origin: germline. Affected: yes. Observed: 2 variant alleles.
Comment: PLAA: BP4, BP7, BS1

Labcorp Genetics (formerly Invitae), Labcorp
Classification: Benign. Last evaluated: 2026-01-26. Review status: criteria provided, single submitter. Criteria: Invitae Variant Classification Sherloc (09022015). Collection method: clinical testing. Allele origin: germline.

Dr. Peter K. Rogan Lab, Western University
No classification provided (evidence only). Condition: Hepatocellular carcinoma. Review status: no classification provided. Collection method: in vitro. Allele origin: not applicable. Functional consequence: retained intron. Not counted in ClinVar's aggregate classification.

Dr. Peter K. Rogan Lab, Western University
No classification provided (evidence only). Condition: Gastric cancer. Review status: no classification provided. Collection method: in vitro. Allele origin: not applicable. Functional consequence: retained intron. Not counted in ClinVar's aggregate classification.

NM_001031689.3(PLAA):c.981C>T (p.Gly327=)

Gene: PLAA (phospholipase A2 activating protein; minus strand). Cytogenetic location: 9p21.2.
Variant type: single nucleotide variant.
Coding change: c.981C>T on transcript NM_001031689.3 (MANE Select); coding-DNA position 981, C replaced by T.
Protein change: p.Gly327=; no amino-acid change (glycine 327 retained).
Molecular consequence: synonymous variant.
Genome position (GRCh38, 1-based): chr9:26,923,236, G>A on the plus strand (C>T on the coding strand, the complement: PLAA is on the minus strand). VCF-style: chr9-26923236-G-A. GRCh37 (hg19) VCF-style: chr9-26923234-G-A.
Other names: c.981C>T, p.Gly327= (NM_001321546.2).
Identifiers: ClinVar variation 1533692 (VCV001533692.13), dbSNP rs75789871, ClinGen allele CA5014497.